The following is an entry in ClinVar:

ClinVar aggregate classification (germline): Likely benign (0 of 4 stars; one submission).

Conditions:
STIM1-related disorder. Also called: STIM1-related condition.

gnomAD v4.1: 1 of 1,580,458 alleles (0.000063%); highest among the groups gnomAD compares: Non-Finnish European, 0.000086%; no homozygotes.

Submission:

PreventionGenetics, part of Exact Sciences
Classification: Likely benign for STIM1-related condition. Last evaluated: 2024-04-04. Review status: no assertion criteria provided. Collection method: clinical testing. Allele origin: germline.
Comment: This variant is classified as likely benign based on ACMG/AMP sequence variant interpretation guidelines (Richards et al. 2015 PMID: 25741868, with internal and published modifications).

NM_001382567.1(STIM1):c.936C>T (p.Ser312=)

Gene: STIM1 (stromal interaction molecule 1; plus strand). Cytogenetic location: 11p15.4.
Variant type: single nucleotide variant.
Coding change: c.936C>T on transcript NM_001382567.1 (MANE Select); coding-DNA position 936, C replaced by T.
Protein change: p.Ser312=; no amino-acid change (serine 312 retained).
Molecular consequence: synonymous variant.
Genome position (GRCh38, 1-based): chr11:4,074,646, C>T. VCF-style: chr11-4074646-C-T. GRCh37 (hg19) VCF-style: chr11-4095876-C-T.
Other names: c.936C>T, p.Ser312= (NM_001277962.2, NM_001382568.1, NM_001382572.1 and 2 more transcripts); c.714C>T, p.Ser238= (NM_001382566.1, NM_001382573.1, NM_001382574.1 and 5 more transcripts); c.801C>T, p.Ser267= (NM_001382569.1); c.708C>T, p.Ser236= (NM_001382570.1); c.456C>T, p.Ser152= (NM_001382571.1); c.447C>T, p.Ser149= (NM_001382580.1, NM_001382581.1).
Identifiers: ClinVar variation 3344579 (VCV003344579.1).